The following is an entry in ClinVar:

ClinVar aggregate classification (germline): Uncertain significance (1 of 4 stars; one submission).

Conditions:
Hereditary breast ovarian cancer syndrome. Also called: Hereditary breast and ovarian cancer; Hereditary breast and/or ovarian cancer syndrome; Breast and ovarian cancer; BRCA1- and BRCA2-Associated Hereditary Breast and Ovarian Cancer; Hereditary breast and ovarian cancer syndrome; Hereditary breast and ovarian cancer syndrome (HBOC). Identifiers: Orphanet 145, MedGen C0677776, MeSH D061325, MONDO:0003582. Disease mechanism: loss of function.

Submission:

Labcorp Genetics (formerly Invitae), Labcorp
Classification: Uncertain significance for Hereditary breast ovarian cancer syndrome. Last evaluated: 2021-04-14. Review status: criteria provided, single submitter. Criteria: Invitae Variant Classification Sherloc (09022015). Collection method: clinical testing. Allele origin: germline.
Comment: In summary, the available evidence is currently insufficient to determine the role of this variant in disease. Therefore, it has been classified as a Variant of Uncertain Significance. Advanced modeling of protein sequence and biophysical properties (such as structural, functional, and spatial information, amino acid conservation, physicochemical variation, residue mobility, and thermodynamic stability) performed at Invitae indicates that this missense variant is not expected to disrupt BRCA2 protein function. This variant has not been reported in the literature in individuals with BRCA2-related conditions. This variant is not present in population databases (ExAC no frequency). This sequence change replaces tryptophan with arginine at codon 194 of the BRCA2 protein (p.Trp194Arg). The tryptophan residue is highly conserved and there is a moderate physicochemical difference between tryptophan and arginine.

NM_000059.4(BRCA2):c.580T>C (p.Trp194Arg)

Gene: BRCA2 (BRCA2 DNA repair associated; plus strand). Cytogenetic location: 13q13.1.
Variant type: single nucleotide variant.
Coding change: c.580T>C on transcript NM_000059.4 (MANE Select); coding-DNA position 580, T replaced by C.
Protein change: p.Trp194Arg; replaces tryptophan 194 with arginine.
Molecular consequence: missense variant.
Genome position (GRCh38, 1-based): chr13:32,326,562, T>C. VCF-style: chr13-32326562-T-C. GRCh37 (hg19) VCF-style: chr13-32900699-T-C.
Other names: short protein forms W194R.
Identifiers: ClinVar variation 1345342 (VCV001345342.8), dbSNP rs2137452536, ClinGen allele CA387758033.
Genomic context (GRCh38, chr13:32,326,562, plus strand): 5'-CGTCAGACACCAAAACATATTTCTGAAAGTCTAGGAGCTGAGGTGGATCCTGATATGTCT[T>C]GGTCAAGTTCTTTAGCTACACCACCCACCCTTAGTTCTACTGTGCTCATAGGTAATAATA-3'
Protein context (NP_000050.3, residues 184-204): LGAEVDPDMS[Trp194Arg]SSSLATPPTL